The following is an entry in ClinVar:

ClinVar aggregate classification (germline): Likely benign (1 of 4 stars; one submission).

Submission:

CeGaT Center for Human Genetics Tuebingen
Classification: Likely benign. Last evaluated: 2025-07-01. Review status: criteria provided, single submitter. Criteria: CeGaT Center For Human Genetics Tuebingen Variant Classification Criteria Version 2. Collection method: clinical testing. Allele origin: germline. Affected: yes. Observed: 1 variant allele.
Comment: KMT2E: PM2:Supporting, BP4, BP7

NM_182931.3(KMT2E):c.2664C>T (p.Ser888=)

Gene: KMT2E (lysine methyltransferase 2E (inactive); plus strand). Cytogenetic location: 7q22.3.
Variant type: single nucleotide variant.
Coding change: c.2664C>T on transcript NM_182931.3 (MANE Select); coding-DNA position 2664, C replaced by T.
Protein change: p.Ser888=; no amino-acid change (serine 888 retained).
Molecular consequence: synonymous variant.
Genome position (GRCh38, 1-based): chr7:105,106,589, C>T. VCF-style: chr7-105106589-C-T. GRCh37 (hg19) VCF-style: chr7-104747036-C-T.
Other names: c.2664C>T, p.Ser888= (NM_001410908.1, NM_018682.4).
Identifiers: ClinVar variation 4085514 (VCV004085514.8).